The following is an entry in ClinVar:

NM_000632.4(ITGAM):c.2392C>T (p.Arg798Trp)

Gene: ITGAM (integrin subunit alpha M; plus strand). Cytogenetic location: 16p11.2.
Variant type: single nucleotide variant.
Coding change: c.2392C>T on transcript NM_000632.4 (MANE Select); coding-DNA position 2392, C replaced by T.
Protein change: p.Arg798Trp; replaces arginine 798 with tryptophan.
Molecular consequence: missense variant.
Genome position (GRCh38, 1-based): chr16:31,325,291, C>T. VCF-style: chr16-31325291-C-T. GRCh37 (hg19) VCF-style: chr16-31336612-C-T.
Other names: c.2392C>T (NM_000632.3); c.2395C>T, p.Arg799Trp (NM_001145808.2); short protein forms R798W, R799W.
Identifiers: ClinVar variation 1929088 (VCV001929088.6), dbSNP rs1314053426, ClinGen allele CA395690724.
Genomic context (GRCh38, chr16:31,325,291, plus strand): 5'-CCATCCCCCGGCCTGTCTTCTTCTTCCCACAGCCTGGACTGCCTCGTGGTGGGTGGGCCC[C>T]GGGAGTTCAACGTGACAGTGACTGTGAGAAATGATGGTGAGGACTCCTACAGGACACAGG-3'
Protein context (NP_000623.2, residues 788-808): SLDCLVVGGP[Arg798Trp]EFNVTVTVRN

ClinVar aggregate classification (germline): Uncertain significance. Review status: criteria provided, multiple submitters, no conflicts (2 of 4 stars). 2 submissions from 2 submitters: Uncertain significance (2). Last evaluated 2025-09-21.

Allele frequency attached by ClinVar (database versions not stated): TOPMed below 0.00001; gnomAD 0.00001; gnomAD exomes 0.00001.
gnomAD v4.1: 12 of 1,613,416 alleles (0.00074%); highest among the groups gnomAD compares: Middle Eastern, 0.016%; no homozygotes.

Submissions (2):

Labcorp Genetics (formerly Invitae), Labcorp
Classification: Uncertain significance. Last evaluated: 2025-09-21. Review status: criteria provided, single submitter. Criteria: Invitae Variant Classification Sherloc (09022015). Collection method: clinical testing. Allele origin: germline.
Comment: This sequence change replaces arginine, which is basic and polar, with tryptophan, which is neutral and slightly polar, at codon 798 of the ITGAM protein (p.Arg798Trp). This variant is present in population databases (no rsID available, gnomAD 0.0009%). This variant has not been reported in the literature in individuals affected with ITGAM-related conditions. ClinVar contains an entry for this variant (Variation ID: 1929088). An algorithm developed to predict the effect of missense changes on protein structure and function (PolyPhen-2) suggests that this variant is likely to be tolerated. In summary, the available evidence is currently insufficient to determine the role of this variant in disease. Therefore, it has been classified as a Variant of Uncertain Significance.

Ambry Genetics
Classification: Uncertain significance. Last evaluated: 2025-09-01. Review status: criteria provided, single submitter. Criteria: Ambry Variant Classification Scheme 2023. Collection method: clinical testing. Allele origin: germline.